The following is an entry in ClinVar:

NM_000540.3(RYR1):c.11908-2A>T

Gene: RYR1 (ryanodine receptor 1; plus strand). Cytogenetic location: 19q13.2.
Variant type: single nucleotide variant.
Coding change: c.11908-2A>T on transcript NM_000540.3 (MANE Select); the canonical splice acceptor site of the intron before coding-DNA position 11908, A replaced by T.
Molecular consequence: splice acceptor variant.
Genome position (GRCh38, 1-based): chr19:38,543,769, A>T. VCF-style: chr19-38543769-A-T. GRCh37 (hg19) VCF-style: chr19-39034409-A-T.
Other names: c.11893-2A>T (NM_001042723.2).
Identifiers: ClinVar variation 393121 (VCV000393121.2), dbSNP rs763146574, ClinGen allele CA16609000.

ClinVar aggregate classification (germline): Likely pathogenic (1 of 4 stars; one submission).

Submission:

GeneDx
Classification: Likely pathogenic. Last evaluated: 2017-01-23. Review status: criteria provided, single submitter. Criteria: GeneDx Variant Classification (06012015). Collection method: clinical testing. Allele origin: germline. Affected: yes.
Comment: The c.11908-2A>T variant in the RYR1 gene has not been reported previously as a pathogenic variant nor as a benign variant, to our knowledge. This splice site variant destroys the canonical splice acceptor site in intron 86. It is predicted to cause abnormal gene splicing, either leading to an abnormal message that is subject to nonsense-mediated mRNA decay, or to an abnormal protein product if the message is used for protein translation. The c.11908-2A>T variant was not observed in approximately 6,500 individuals of European and African American ancestry in the NHLBI Exome Sequencing Project, indicating it is not a common benign variant in these populations. The c.11908-2A>T variant is a strong candidate for a pathogenic variant, however the possibility it may be a rare benign variant cannot be excluded.